The following is an entry in ClinVar:

ClinVar aggregate classification (germline): Uncertain significance (1 of 4 stars; one submission).

Conditions:
Catecholaminergic polymorphic ventricular tachycardia (CVPT). Also called: Catecholamine-induced polymorphic ventricular tachycardia. Identifiers: Orphanet 3286, MedGen C5574922, MONDO:0017990.

gnomAD v4.1: 1 of 1,609,468 alleles (0.000062%); highest among the groups gnomAD compares: Non-Finnish European, 0.000085%; no homozygotes.

Submission:

All of Us Research Program, National Institutes of Health
Classification: Uncertain significance for Catecholaminergic polymorphic ventricular tachycardia. Last evaluated: 2024-08-06. Review status: criteria provided, single submitter. Criteria: ACMG Guidelines, 2015. Collection method: clinical testing. Allele origin: germline. Inheritance: Autosomal dominant inheritance. Observed: 1 variant allele, 1 heterozygote.
Comment: This study involves interpretation of variants in research participants for the purpose of population health screening. Participant phenotype was not available at the time of variant classification. Additional details can be found in publication PMID: 35346344, PMCID: PMC8962531

NM_001035.3(RYR2):c.6715C>A (p.Pro2239Thr)

Gene: RYR2 (ryanodine receptor 2; plus strand). Cytogenetic location: 1q43.
Variant type: single nucleotide variant.
Coding change: c.6715C>A on transcript NM_001035.3 (MANE Select); coding-DNA position 6715, C replaced by A.
Protein change: p.Pro2239Thr; replaces proline 2239 with threonine.
Molecular consequence: missense variant.
Genome position (GRCh38, 1-based): chr1:237,634,915, C>A. VCF-style: chr1-237634915-C-A. GRCh37 (hg19) VCF-style: chr1-237798215-C-A.
Other names: short protein forms P2239T.
Identifiers: ClinVar variation 3385769 (VCV003385769.1).